The following is an entry in ClinVar:

NM_001097577.3(ANG):c.199A>G (p.Asn67Asp)

Genes: ANG (angiogenin; plus strand), EGILA (EGFR interacting lncRNA; minus strand), RNASE4 (ribonuclease A family member 4; plus strand). Cytogenetic location: 14q11.2.
Variant type: single nucleotide variant.
Coding change: c.199A>G on transcript NM_001097577.3 (MANE Select); coding-DNA position 199, A replaced by G.
Protein change: p.Asn67Asp; replaces asparagine 67 with aspartic acid.
Molecular consequence: missense variant. On other transcripts: intron variant (4).
Genome position (GRCh38, 1-based): chr14:20,693,763, A>G. VCF-style: chr14-20693763-A-G. GRCh37 (hg19) VCF-style: chr14-21161922-A-G.
Other names: c.199A>G, p.Asn67Asp (NM_001145.4, NM_001385271.1, NM_001385272.1 and 2 more transcripts); c.-18+113A>G (NM_001282192.2); c.-17-5592A>G (NM_002937.5, NM_001282193.2); c.-18+4889A>G (NM_194431.3); short protein forms N67D.
Identifiers: ClinVar variation 1313117 (VCV001313117.2), dbSNP rs1886945573, ClinGen allele CA389114804.
Genomic context (GRCh38, chr14:20,693,763, plus strand): 5'-GACAGATACTGTGAAAGCATCATGAGGAGACGGGGCCTGACCTCACCCTGCAAAGACATC[A>G]ACACATTTATTCATGGCAACAAGCGCAGCATCAAGGCCATCTGTGAAAACAAGAATGGAA-3'
Protein context (NP_001091046.1, residues 57-77): RGLTSPCKDI[Asn67Asp]TFIHGNKRSI

ClinVar aggregate classification (germline): Uncertain significance (1 of 4 stars; one submission).

Allele frequency attached by ClinVar (database versions not stated): gnomAD 0.00001.
gnomAD v4.1: 1 of 1,614,100 alleles (0.000062%); highest among the groups gnomAD compares: African/African-American, 0.0013%; no homozygotes.

Submission:

GeneDx
Classification: Uncertain significance. Last evaluated: 2020-01-28. Review status: criteria provided, single submitter. Criteria: GeneDx Variant Classification Process June 2021. Collection method: clinical testing. Allele origin: germline. Affected: yes.
Comment: Not observed in large population cohorts (Lek et al., 2016); In silico analysis, which includes protein predictors and evolutionary conservation, supports a deleterious effect; Has not been previously published as pathogenic or benign to our knowledge